The following is an entry in ClinVar:

ClinVar aggregate classification (germline): Uncertain significance. Review status: criteria provided, multiple submitters, no conflicts (2 of 4 stars). 2 submissions from 2 submitters: Uncertain significance (2). Last evaluated 2023-11-07.

Conditions:
Spinal muscular atrophy with congenital bone fractures 2 (SMABF2). Identifiers: MedGen C4225176, MONDO:0014807, OMIM 616867.
Inborn genetic diseases. Identifiers: MedGen C0950123, MeSH D030342.

Allele frequency attached by ClinVar (database versions not stated): gnomAD exomes below 0.00001; TOPMed below 0.00001; ExAC 0.00002.

Submissions (2):

Ambry Genetics
Classification: Uncertain significance for Inborn genetic diseases. Last evaluated: 2023-11-07. Review status: criteria provided, single submitter. Criteria: Ambry Variant Classification Scheme 2023. Collection method: clinical testing. Allele origin: germline.

Juno Genomics, Hangzhou Juno Genomics, Inc
Classification: Uncertain significance for Spinal muscular atrophy with congenital bone fractures 2. Review status: criteria provided, single submitter. Criteria: ACMG Guidelines, 2015. Collection method: clinical testing. Allele origin: germline. Affected: yes.
Comment: Absent from controls (or at extremely low frequency if recessive) in Genome Aggregation Database, Exome Sequencing Project, 1000 Genomes Project, or Exome Aggregation Consortium.;Patient's phenotype or family history is highly specific for a disease with a single genetic etiology.

NM_001198800.3(ASCC1):c.829C>T (p.His277Tyr)

Gene: ASCC1 (activating signal cointegrator 1 complex subunit 1; minus strand). Cytogenetic location: 10q22.1.
Variant type: single nucleotide variant.
Coding change: c.829C>T on transcript NM_001198800.3 (MANE Select); coding-DNA position 829, C replaced by T.
Protein change: p.His277Tyr; replaces histidine 277 with tyrosine.
Molecular consequence: missense variant. On other transcripts: non-coding transcript variant (1).
Genome position (GRCh38, 1-based): chr10:72,133,099, G>A on the plus strand (C>T on the coding strand, the complement: ASCC1 is on the minus strand). VCF-style: chr10-72133099-G-A. GRCh37 (hg19) VCF-style: chr10-73892857-G-A.
Other names: c.829C>T, p.His277Tyr (NM_001198798.2, NM_001369087.1, NM_001369088.1 and 12 more transcripts); c.913C>T, p.His305Tyr (NM_001198799.3); c.895C>T, p.His299Tyr (NM_001369085.1, NM_001369086.1); c.775C>T, p.His259Tyr (NM_001369099.1); c.709C>T, p.His237Tyr (NM_001369100.1, NM_001369112.1, NM_001369103.1 and 3 more transcripts); c.712C>T, p.His238Tyr (NM_001369101.1, NM_001369102.1, NM_001369105.1 and 2 more transcripts); short protein forms H237Y, H299Y, H259Y, H238Y, H277Y, H305Y.
Identifiers: ClinVar variation 3130217 (VCV003130217.3), dbSNP rs755134952, ClinGen allele CA5548914.